The following is an entry in ClinVar:

NM_001375883.1(GPR161):c.1490G>A (p.Gly497Asp)

Gene: GPR161 (G protein-coupled receptor 161; minus strand). Cytogenetic location: 1q24.2.
Variant type: single nucleotide variant.
Coding change: c.1490G>A on transcript NM_001375883.1 (MANE Select); coding-DNA position 1490, G replaced by A.
Protein change: p.Gly497Asp; replaces glycine 497 with aspartic acid.
Molecular consequence: missense variant.
Genome position (GRCh38, 1-based): chr1:168,085,631, C>T on the plus strand (G>A on the coding strand, the complement: GPR161 is on the minus strand). VCF-style: chr1-168085631-C-T. GRCh37 (hg19) VCF-style: chr1-168054869-C-T.
Other names: c.1550G>A, p.Gly517Asp (NM_001267609.1); c.1490G>A, p.Gly497Asp (NM_001267610.2, NM_001349632.1, NM_001349633.1 and 5 more transcripts); c.1541G>A, p.Gly514Asp (NM_001267611.1); c.1094G>A, p.Gly365Asp (NM_001267612.2, NM_001349635.1); c.1256G>A, p.Gly419Asp (NM_001267613.1); c.1148G>A, p.Gly383Asp (NM_001267614.1); short protein forms G365D, G383D, G419D, G497D, G514D, G517D.
Identifiers: ClinVar variation 3056216 (VCV003056216.4), dbSNP rs147976800, ClinGen allele CA1229420.
Genomic context (GRCh38, chr1:168,085,631, plus strand): 5'-CTCTGCAACTGCAGCCTCTGGCTCACAAGAGTTCTGCTGCCTCGGCGGCCCCCGAAGCCG[C>T]CCCCCGGGACAGTCCGTGCTGTAACCAAGACCCCTGGCAAAGCCTCCTCCCCAAATAAGT-3'
Protein context (NP_001362812.1, residues 487-507): VLVTARTVPG[Gly497Asp]GFGGRRGSRT

ClinVar aggregate classification (germline): Likely benign. Review status: criteria provided, single submitter (1 of 4 stars). 2 submissions from 2 submitters: Likely benign (1). 1 of the submissions does not count toward it. Last evaluated 2025-12-23.

Conditions:
GPR161-related disorder. Also called: GPR161-related condition.

Allele frequency attached by ClinVar (database versions not stated): 1000 Genomes Project 30x 0.00031; gnomAD 0.00038; 1000 Genomes Project 0.00020; ExAC 0.00074; gnomAD exomes 0.00054; ESP Exome Variant Server 0.00085; TOPMed 0.00034.

Submissions (2):

Labcorp Genetics (formerly Invitae), Labcorp
Classification: Likely benign. Last evaluated: 2025-12-23. Review status: criteria provided, single submitter. Criteria: Invitae Variant Classification Sherloc (09022015). Collection method: clinical testing. Allele origin: germline.

PreventionGenetics, part of Exact Sciences
Classification: Likely benign for GPR161-related condition. Last evaluated: 2023-09-27. Review status: no assertion criteria provided. Collection method: clinical testing. Allele origin: germline. Not counted in ClinVar's aggregate classification.
Comment: This variant is classified as likely benign based on ACMG/AMP sequence variant interpretation guidelines (Richards et al. 2015 PMID: 25741868, with internal and published modifications).